The following is an entry in ClinVar:

ClinVar aggregate classification (germline): Uncertain significance (1 of 4 stars; one submission).

Conditions:
Hereditary cancer-predisposing syndrome. Also called: Neoplastic Syndromes, Hereditary; Tumor predisposition; Hereditary Cancer Syndrome; Hereditary neoplastic syndrome. Identifiers: Orphanet 140162, MedGen C0027672, MeSH D009386, MONDO:0015356.

Submission:

Color Diagnostics, LLC DBA Color Health
Classification: Uncertain significance for Hereditary cancer-predisposing syndrome. Last evaluated: 2023-05-31. Review status: criteria provided, single submitter. Criteria: ACMG Guidelines, 2015. Collection method: clinical testing. Allele origin: germline.
Comment: This missense variant replaces glutamine with glutamic acid at codon 1303 of the APC protein. Computational prediction suggests that this variant may not impact protein structure and function (internally defined REVEL score threshold <= 0.5, PMID: 27666373). To our knowledge, functional studies have not been reported for this variant. This variant has not been reported in individuals affected with APC-related disorders in the literature. This variant has not been identified in the general population by the Genome Aggregation Database (gnomAD). The available evidence is insufficient to determine the role of this variant in disease conclusively. Therefore, this variant is classified as a Variant of Uncertain Significance.

NM_000038.6(APC):c.3907C>G (p.Gln1303Glu)

Gene: APC (APC regulator of Wnt signaling pathway; plus strand). Cytogenetic location: 5q22.2.
Variant type: single nucleotide variant.
Coding change: c.3907C>G on transcript NM_000038.6 (MANE Select); coding-DNA position 3907, C replaced by G.
Protein change: p.Gln1303Glu; replaces glutamine 1303 with glutamic acid.
Molecular consequence: missense variant. On other transcripts: non-coding transcript variant (2).
Genome position (GRCh38, 1-based): chr5:112,839,501, C>G. VCF-style: chr5-112839501-C-G. GRCh37 (hg19) VCF-style: chr5-112175198-C-G.
Other names: c.3907C>G, p.Gln1303Glu (NM_001127510.3, NM_001354895.2, NM_001407450.1); c.3853C>G, p.Gln1285Glu (NM_001127511.3); c.3961C>G, p.Gln1321Glu (NM_001354896.2, NM_001407447.1, NM_001407448.1 and 1 more transcripts); c.3937C>G, p.Gln1313Glu (NM_001354897.2); c.3832C>G, p.Gln1278Glu (NM_001354898.2); c.3823C>G, p.Gln1275Glu (NM_001354899.2); c.3784C>G, p.Gln1262Glu (NM_001354900.2); c.3730C>G, p.Gln1244Glu (NM_001354901.2, NM_001407453.1); and 11 more; short protein forms Q1262E, Q1293E, Q1212E, Q1278E, Q1296E, Q1313E, Q1321E, Q1174E.
Identifiers: ClinVar variation 2774985 (VCV002774985.2), dbSNP rs2149901776, ClinGen allele CA16029904.